The following is an entry in ClinVar:

NM_001365536.1(SCN9A):c.1349T>C (p.Ile450Thr)

Genes: SCN1A-AS1 (SCN1A and SCN9A antisense RNA 1; plus strand), SCN9A (sodium voltage-gated channel alpha subunit 9; minus strand). Cytogenetic location: 2q24.3.
Variant type: single nucleotide variant.
Coding change: c.1349T>C on transcript NM_001365536.1 (MANE Select); coding-DNA position 1349, T replaced by C.
Protein change: p.Ile450Thr; replaces isoleucine 450 with threonine.
Molecular consequence: missense variant.
Genome position (GRCh38, 1-based): chr2:166,286,589, A>G on the plus strand (T>C on the coding strand, the complement: SCN9A is on the minus strand). VCF-style: chr2-166286589-A-G. GRCh37 (hg19) VCF-style: chr2-167143099-A-G.
Other names: c.1349T>C, p.Ile450Thr (NM_002977.4); short protein forms I450T.
Identifiers: ClinVar variation 471083 (VCV000471083.10), dbSNP rs1258991294, ClinGen allele CA349084941.

ClinVar aggregate classification (germline): Uncertain significance. Review status: criteria provided, multiple submitters, no conflicts (2 of 4 stars). 3 submissions from 3 submitters: Uncertain significance (3). Last evaluated 2024-03-01.

Conditions:
Inborn genetic diseases. Identifiers: MedGen C0950123, MeSH D030342.
Neuropathy, hereditary sensory and autonomic, type 2A (HSAN2A). Also called: ACROOSTEOLYSIS, NEUROGENIC; ACROOSTEOLYSIS, GIACCAI TYPE; MORVAN DISEASE; NEUROPATHY, CONGENITAL SENSORY; NEUROPATHY, HEREDITARY SENSORY RADICULAR, AUTOSOMAL RECESSIVE; NEUROPATHY, HEREDITARY SENSORY, TYPE IIA. Identifiers: Orphanet 970, MedGen C2752089, MONDO:0024309, OMIM 201300.
Generalized epilepsy with febrile seizures plus, type 7 (GEFSP7). Also called: GEFS+, TYPE 7. Identifiers: Orphanet 36387, MedGen C2751778, MONDO:0013470, OMIM 613863.

Allele frequency attached by ClinVar (database versions not stated): TOPMed below 0.00001.
gnomAD v4.1: 2 of 1,582,160 alleles (0.00013%); highest among the groups gnomAD compares: Admixed American, 0.0038%; no homozygotes.

Submissions (3):

Women's Health and Genetics/Laboratory Corporation of America, LabCorp
Classification: Uncertain significance. Last evaluated: 2024-03-01. Review status: criteria provided, single submitter. Criteria: LabCorp Variant Classification Summary - May 2015. Collection method: clinical testing. Allele origin: germline.
Comment: Variant summary: SCN9A c.1349T>C (p.Ile450Thr) results in a non-conservative amino acid change in the encoded protein sequence. Four of five in-silico tools predict a benign effect of the variant on protein function. The variant allele was found at a frequency of 9.4e-06 in 211740 control chromosomes. The available data on variant occurrences in the general population are insufficient to allow any conclusion about variant significance. To our knowledge, no occurrence of c.1349T>C in individuals affected with Channelopathy-Associated Congenital Insensitivity To Pain, Autosomal Recessive and no experimental evidence demonstrating its impact on protein function have been reported. ClinVar contains an entry for this variant (Variation ID: 471083). Based on the evidence outlined above, the variant was classified as uncertain significance.

Labcorp Genetics (formerly Invitae), Labcorp
Classification: Uncertain significance for Neuropathy, hereditary sensory and autonomic, type 2A; Generalized epilepsy with febrile seizures plus, type 7. Last evaluated: 2021-08-27. Review status: criteria provided, single submitter. Criteria: Invitae Variant Classification Sherloc (09022015). Collection method: clinical testing. Allele origin: germline.
Comment: This sequence change replaces isoleucine with threonine at codon 450 of the SCN9A protein (p.Ile450Thr). The isoleucine residue is moderately conserved and there is a moderate physicochemical difference between isoleucine and threonine. This variant is not present in population databases (ExAC no frequency). This variant has not been reported in the literature in individuals affected with SCN9A-related conditions. Algorithms developed to predict the effect of missense changes on protein structure and function (SIFT, PolyPhen-2, Align-GVGD) all suggest that this variant is likely to be tolerated. In summary, the available evidence is currently insufficient to determine the role of this variant in disease. Therefore, it has been classified as a Variant of Uncertain Significance.

Ambry Genetics
Classification: Uncertain significance for Inborn genetic diseases. Last evaluated: 2020-06-30. Review status: criteria provided, single submitter. Criteria: Ambry Variant Classification Scheme 2023. Collection method: clinical testing. Allele origin: germline.
Comment: The p.I450T variant (also known as c.1349T>C), located in coding exon 10 of the SCN9A gene, results from a T to C substitution at nucleotide position 1349. The isoleucine at codon 450 is replaced by threonine, an amino acid with similar properties. This amino acid position is not well conserved in available vertebrate species. In addition, the in silico prediction for this alteration is inconclusive. Since supporting evidence is limited at this time, the clinical significance of this alteration remains unclear.